The following is an entry in ClinVar:

NM_001042492.3(NF1):c.4578-8G>A

Gene: NF1 (neurofibromin 1; plus strand). Cytogenetic location: 17q11.2.
Variant type: single nucleotide variant.
Coding change: c.4578-8G>A on transcript NM_001042492.3 (MANE Select); 8 bases into the intron before coding-DNA position 4578, G replaced by A.
Molecular consequence: intron variant.
Genome position (GRCh38, 1-based): chr17:31,261,703, G>A. VCF-style: chr17-31261703-G-A. GRCh37 (hg19) VCF-style: chr17-29588721-G-A.
Other names: c.4515-8G>A (NM_000267.4, NM_000267.3).
Identifiers: ClinVar variation 1021326 (VCV001021326.7), dbSNP rs375758486, ClinGen allele CA8486447.

ClinVar aggregate classification (germline): Conflicting classifications of pathogenicity. Review status: criteria provided, conflicting classifications (1 of 4 stars). 3 submissions from 3 submitters: Uncertain significance (1); Likely benign (2). Last evaluated 2026-05-13.

Conditions:
Neurofibromatosis, type 1 (NF1). Also called: NEUROFIBROMATOSIS, TYPE I, SOMATIC; Peripheral type neurofibromatosis; VON RECKLINGHAUSEN DISEASE; Neurofibromatosis, type I. Identifiers: Orphanet 636, MedGen C0027831, MONDO:0018975, OMIM 162200. Disease mechanism: loss of function.

Allele frequency attached by ClinVar (database versions not stated): ExAC 0.00001; gnomAD exomes below 0.00001.

Submissions (3):

Myriad Genetics, Inc.
Classification: Likely benign for Neurofibromatosis, type 1. Last evaluated: 2026-05-13. Review status: criteria provided, single submitter. Criteria: Myriad Autosomal Dominant, Autosomal Recessive and X-Linked Classification Criteria (2023). Collection method: clinical testing. Allele origin: unknown.
Comment: This variant is considered likely benign. This variant is intronic and is not expected to impact mRNA splicing.

Labcorp Genetics (formerly Invitae), Labcorp
Classification: Likely benign for Neurofibromatosis, type 1. Last evaluated: 2025-12-10. Review status: criteria provided, single submitter. Criteria: Invitae Variant Classification Sherloc (09022015). Collection method: clinical testing. Allele origin: germline.

Quest Diagnostics Nichols Institute San Juan Capistrano
Classification: Uncertain significance. Last evaluated: 2025-02-28. Review status: criteria provided, single submitter. Criteria: Quest Diagnostics criteria. Collection method: clinical testing. Allele origin: unknown.